The following is an entry in ClinVar:

NM_000518.5(HBB):c.189T>C (p.Ala63=)

Genes: HBB (hemoglobin subunit beta; minus strand), LOC106099062 (HBB recombination region; plus strand), LOC107133510 (origin of replication at HBB; plus strand). Cytogenetic location: 11p15.4.
Variant type: single nucleotide variant.
Coding change: c.189T>C on transcript NM_000518.5 (MANE Select); coding-DNA position 189, T replaced by C.
Protein change: p.Ala63=; no amino-acid change (alanine 63 retained).
Molecular consequence: synonymous variant.
Genome position (GRCh38, 1-based): chr11:5,226,703, A>G on the plus strand (T>C on the coding strand, the complement: HBB is on the minus strand). VCF-style: chr11-5226703-A-G. GRCh37 (hg19) VCF-style: chr11-5247933-A-G.
Identifiers: ClinVar variation 3910010 (VCV003910010.1), dbSNP rs770878031.

ClinVar aggregate classification (germline): Benign (1 of 4 stars; one submission).

Conditions:
beta Thalassemia (BTHAL). Also called: Cooley's anemia; Erythroblastic anemia; Mediterranean anemia. Identifiers: Orphanet 848, MedGen C0005283, MONDO:0019402. Disease mechanism: loss of function.

gnomAD v4.1: 1 of 1,614,094 alleles (0.000062%); highest among the groups gnomAD compares: East Asian, 0.0022%; no homozygotes.

Submission:

Genetics Laboratory, Al-Manara University for Medical Sciences
Classification: Benign for beta Thalassemia. Last evaluated: 2024-05-24. Review status: criteria provided, single submitter. Criteria: ACMG Guidelines, 2015. Collection method: research. Allele origin: germline.
Comment: The HBB:c.189T>C variant in the HBB gene (NM_000518.5), as Synonymous coding variant located in the exon 2 position 97 of 223 (coding Ala63=). This variant meets criteria to be classified as benign for beta thalassemia. ACMG/AMP Criteria applied: BP4_Moderate, BP7_Supporting.